The following is an entry in ClinVar:

NM_000143.4(FH):c.143A>G (p.Asn48Ser)

Gene: FH (fumarate hydratase; minus strand). Cytogenetic location: 1q43.
Variant type: single nucleotide variant.
Coding change: c.143A>G on transcript NM_000143.4 (MANE Select); coding-DNA position 143, A replaced by G.
Protein change: p.Asn48Ser; replaces asparagine 48 with serine.
Molecular consequence: missense variant.
Genome position (GRCh38, 1-based): chr1:241,517,306, T>C on the plus strand (A>G on the coding strand, the complement: FH is on the minus strand). VCF-style: chr1-241517306-T-C. GRCh37 (hg19) VCF-style: chr1-241680606-T-C.
Other names: short protein forms N48S.
Identifiers: ClinVar variation 1772674 (VCV001772674.2), dbSNP rs1660246440, ClinGen allele CA345442034.

ClinVar aggregate classification (germline): Uncertain significance (1 of 4 stars; one submission).

Conditions:
Hereditary cancer-predisposing syndrome. Also called: Hereditary Cancer Syndrome; Hereditary neoplastic syndrome; Neoplastic Syndromes, Hereditary; Tumor predisposition. Identifiers: Orphanet 140162, MedGen C0027672, MeSH D009386, MONDO:0015356.

Submission:

Ambry Genetics
Classification: Uncertain significance for Hereditary cancer-predisposing syndrome. Last evaluated: 2021-11-24. Review status: criteria provided, single submitter. Criteria: Ambry Variant Classification Scheme 2023. Collection method: clinical testing. Allele origin: germline.
Comment: The p.N48S variant (also known as c.143A>G), located in coding exon 2 of the FH gene, results from an A to G substitution at nucleotide position 143. The asparagine at codon 48 is replaced by serine, an amino acid with highly similar properties. This amino acid position is not well conserved in available vertebrate species. In addition, the in silico prediction for this alteration is inconclusive. Since supporting evidence is limited at this time, the clinical significance of this alteration remains unclear.